The following is an entry in ClinVar:

ClinVar aggregate classification (germline): Uncertain significance. Review status: criteria provided, multiple submitters, no conflicts (2 of 4 stars). 4 submissions from 4 submitters: Uncertain significance (4). Last evaluated 2025-09-10.

Conditions:
Aneurysm-osteoarthritis syndrome. Also called: LOEYS-DIETZ SYNDROME WITH OSTEOARTHRITIS; SMAD3-Related Loeys-Dietz Syndrome; Loeys-Dietz syndrome, type 1C; ANEURYSMS-OSTEOARTHRITIS SYNDROME. Identifiers: Orphanet 284984, MedGen C3151087, MONDO:0013426, OMIM 613795.
Familial thoracic aortic aneurysm and aortic dissection (TAAD). Also called: Thoracic aortic aneurysms and dissections. Identifiers: Orphanet 91387, MedGen C4707243, MONDO:0019625.

Allele frequency attached by ClinVar (database versions not stated): gnomAD exomes below 0.00001.
gnomAD v4.1: 5 of 1,614,162 alleles (0.00031%); highest among the groups gnomAD compares: African/African-American, 0.0013%; no homozygotes.

Submissions (4):

Labcorp Genetics (formerly Invitae), Labcorp
Classification: Uncertain significance for Familial thoracic aortic aneurysm and aortic dissection. Last evaluated: 2025-09-10. Review status: criteria provided, single submitter. Criteria: Invitae Variant Classification Sherloc (09022015). Collection method: clinical testing. Allele origin: germline.
Comment: This sequence change replaces glutamic acid, which is acidic and polar, with lysine, which is basic and polar, at codon 149 of the SMAD3 protein (p.Glu149Lys). This variant is present in population databases (no rsID available, gnomAD 0.004%). This variant has not been reported in the literature in individuals affected with SMAD3-related conditions. ClinVar contains an entry for this variant (Variation ID: 918865). Invitae Evidence Modeling of protein sequence and biophysical properties (such as structural, functional, and spatial information, amino acid conservation, physicochemical variation, residue mobility, and thermodynamic stability) indicates that this missense variant is not expected to disrupt SMAD3 protein function with a negative predictive value of 80%. In summary, the available evidence is currently insufficient to determine the role of this variant in disease. Therefore, it has been classified as a Variant of Uncertain Significance.

All of Us Research Program, National Institutes of Health
Classification: Uncertain significance for Aneurysm-osteoarthritis syndrome. Last evaluated: 2024-05-14. Review status: criteria provided, single submitter. Criteria: ACMG Guidelines, 2015. Collection method: clinical testing. Allele origin: germline. Inheritance: Autosomal dominant inheritance. Observed: 1 variant allele, 1 heterozygote.
Comment: This missense variant replaces glutamic acid with lysine at codon 149 of the SMAD3 protein. Computational prediction tool is inconclusive regarding the impact of this variant on protein structure and function (internally defined REVEL score threshold 0.5 < inconclusive < 0.7, PMID: 27666373). Splice site prediction tools suggest that this variant may not impact RNA splicing. To our knowledge, functional studies have not been performed for this variant. This variant has not been reported in individuals affected with cardiovascular disorders in the literature. This variant has been identified in 1/251414 chromosomes in the general population by the Genome Aggregation Database (gnomAD). The available evidence is insufficient to determine the role of this variant in disease conclusively. Therefore, this variant is classified as a Variant of Uncertain Significance.

This study involves interpretation of variants in research participants for the purpose of population health screening. Participant phenotype was not available at the time of variant classification. Additional details can be found in publication PMID: 35346344, PMCID: PMC8962531

Color Diagnostics, LLC DBA Color Health
Classification: Uncertain significance for Familial thoracic aortic aneurysm and aortic dissection. Last evaluated: 2024-05-02. Review status: criteria provided, single submitter. Criteria: ACMG Guidelines, 2015. Collection method: clinical testing. Allele origin: germline.
Comment: This missense variant replaces glutamic acid with lysine at codon 149 of the SMAD3 protein. Computational prediction tools indicate that this variant's impact on protein structure and function is inconclusive. To our knowledge, functional studies have not been reported for this variant. This variant has not been reported in individuals affected with SMAD3-related disorders in the literature. This variant has been identified in 1/251414 chromosomes in the general population by the Genome Aggregation Database (gnomAD). The available evidence is insufficient to determine the role of this variant in disease conclusively. Therefore, this variant is classified as a Variant of Uncertain Significance.

CHEO Genetics Diagnostic Laboratory, Children's Hospital of Eastern Ontario
Classification: Uncertain significance for Familial thoracic aortic aneurysm and aortic dissection. Last evaluated: 2023-06-07. Review status: criteria provided, single submitter. Criteria: ACMG Guidelines, 2015. Collection method: clinical testing. Allele origin: germline.

NM_005902.4(SMAD3):c.445G>A (p.Glu149Lys)

Gene: SMAD3 (SMAD family member 3; plus strand). Cytogenetic location: 15q22.33.
Variant type: single nucleotide variant.
Coding change: c.445G>A on transcript NM_005902.4 (MANE Select); coding-DNA position 445, G replaced by A.
Protein change: p.Glu149Lys; replaces glutamic acid 149 with lysine.
Molecular consequence: missense variant.
Genome position (GRCh38, 1-based): chr15:67,165,297, G>A. VCF-style: chr15-67165297-G-A. GRCh37 (hg19) VCF-style: chr15-67457635-G-A.
Other names: c.130G>A, p.Glu44Lys (NM_001145102.2); c.313G>A, p.Glu105Lys (NM_001145103.2); short protein forms E149K, E44K, E105K.
Identifiers: ClinVar variation 918865 (VCV000918865.7), dbSNP rs1429991069, ClinGen allele CA392954316.